The following is an entry in ClinVar:

NM_003000.3(SDHB):c.62C>A (p.Ala21Asp)

Genes: SDHB (succinate dehydrogenase complex iron sulfur subunit B; minus strand), LOC129929542 (ATAC-STARR-seq lymphoblastoid active region 277; plus strand). Cytogenetic location: 1p36.13.
Variant type: single nucleotide variant.
Coding change: c.62C>A on transcript NM_003000.3 (MANE Select); coding-DNA position 62, C replaced by A.
Protein change: p.Ala21Asp; replaces alanine 21 with aspartic acid.
Molecular consequence: missense variant.
Genome position (GRCh38, 1-based): chr1:17,053,958, G>T on the plus strand (C>A on the coding strand, the complement: SDHB is on the minus strand). VCF-style: chr1-17053958-G-T. GRCh37 (hg19) VCF-style: chr1-17380453-G-T.
Other names: c.62C>A, p.Ala21Asp (NM_001407361.1); short protein forms A21D.
Identifiers: ClinVar variation 3070294 (VCV003070294.2), dbSNP rs2078163173, ClinGen allele CA338230637.

ClinVar aggregate classification (germline): Uncertain significance. Review status: criteria provided, multiple submitters, no conflicts (2 of 4 stars). 2 submissions from 2 submitters: Uncertain significance (2). Last evaluated 2025-12-05.

Conditions:
Hereditary cancer-predisposing syndrome. Also called: Hereditary neoplastic syndrome; Neoplastic Syndromes, Hereditary; Tumor predisposition; Hereditary Cancer Syndrome. Identifiers: Orphanet 140162, MedGen C0027672, MeSH D009386, MONDO:0015356.
Hereditary pheochromocytoma and paraganglioma. Also called: Hereditary pheochromocytoma-paraganglioma; Hereditary Paraganglioma-Pheochromocytoma Syndromes; Hereditary paragangliomas and pheochromocytomas. Identifiers: Orphanet 29072, MedGen C4274332, MONDO:0017366.

Submissions (2):

Ambry Genetics
Classification: Uncertain significance for Hereditary cancer-predisposing syndrome. Last evaluated: 2025-12-05. Review status: criteria provided, single submitter. Criteria: Ambry Variant Classification Scheme 2023. Collection method: clinical testing. Allele origin: germline.
Comment: The p.A21D variant (also known as c.62C>A), located in coding exon 1 of the SDHB gene, results from a C to A substitution at nucleotide position 62. The alanine at codon 21 is replaced by aspartic acid, an amino acid with dissimilar properties. This amino acid position is conserved. In addition, the in silico prediction for this alteration is inconclusive. Based on the available evidence, the clinical significance of this variant remains unclear.

All of Us Research Program, National Institutes of Health
Classification: Uncertain significance for Hereditary pheochromocytoma and paraganglioma. Last evaluated: 2023-04-03. Review status: criteria provided, single submitter. Criteria: ACMG Guidelines, 2015. Collection method: clinical testing. Allele origin: germline. Inheritance: Autosomal dominant inheritance. Observed: 1 variant allele, 1 heterozygote.
Comment: This missense variant replaces alanine with aspartic acid at codon 21 of the SDHB protein. Computational prediction suggests that this variant may not impact protein structure and function (internally defined REVEL score threshold <= 0.5, PMID: 27666373). To our knowledge, functional studies have not been reported for this variant. This variant has not been reported in individuals affected with SDHB-related disorders in the literature. This variant has not been identified in the general population by the Genome Aggregation Database (gnomAD). The available evidence is insufficient to determine the role of this variant in disease conclusively. Therefore, this variant is classified as a Variant of Uncertain Significance.

This study involves interpretation of variants in research participants for the purpose of population health screening. Participant phenotype was not available at the time of variant classification. Additional details can be found in publication PMID: 35346344, PMCID: PMC8962531